The following is an entry in ClinVar:

ClinVar aggregate classification (germline): Conflicting classifications of pathogenicity. Review status: criteria provided, conflicting classifications (1 of 4 stars). 4 submissions from 4 submitters: Uncertain significance (1); Likely benign (2). 1 of the submissions does not count toward it. Last evaluated 2025-06-03.

Conditions:
DNAH5-related disorder. Also called: DNAH5-related condition.
Primary ciliary dyskinesia. Also called: Ciliary dyskinesia. Identifiers: Orphanet 244, MedGen C0008780, MONDO:0016575, HP:0012265.
Primary ciliary dyskinesia 3. Identifiers: Orphanet 244, MedGen C1837618, MONDO:0012085, OMIM 608644.

Allele frequency attached by ClinVar (database versions not stated): gnomAD 0.00001; ExAC 0.00002; gnomAD exomes 0.00002; TOPMed 0.00003.
gnomAD v4.1: 29 of 1,614,006 alleles (0.0018%); highest among the groups gnomAD compares: Non-Finnish European, 0.0022%; no homozygotes.

Submissions (4):

Labcorp Genetics (formerly Invitae), Labcorp
Classification: Likely benign for Primary ciliary dyskinesia. Last evaluated: 2025-06-03. Review status: criteria provided, single submitter. Criteria: Invitae Variant Classification Sherloc (09022015). Collection method: clinical testing. Allele origin: germline.

Ambry Genetics
Classification: Likely benign for Primary ciliary dyskinesia. Last evaluated: 2020-03-16. Review status: criteria provided, single submitter. Criteria: Ambry Variant Classification Scheme 2023. Collection method: clinical testing. Allele origin: germline.

Illumina Laboratory Services, Illumina
Classification: Uncertain significance for Primary ciliary dyskinesia 3. Last evaluated: 2018-01-13. Review status: criteria provided, single submitter. Criteria: ICSL Variant Classification Criteria 13 December 2019. Collection method: clinical testing. Allele origin: germline.

PreventionGenetics, part of Exact Sciences
Classification: Likely benign for DNAH5-related condition. Last evaluated: 2024-07-25. Review status: no assertion criteria provided. Collection method: clinical testing. Allele origin: germline. Not counted in ClinVar's aggregate classification.
Comment: This variant is classified as likely benign based on ACMG/AMP sequence variant interpretation guidelines (Richards et al. 2015 PMID: 25741868, with internal and published modifications).

NM_001369.3(DNAH5):c.11349C>T (p.Val3783=)

Genes: DNAH5 (dynein axonemal heavy chain 5; minus strand), LOC107457585 (meiotic recombination hotspot J; plus strand). Cytogenetic location: 5p15.2.
Variant type: single nucleotide variant.
Coding change: c.11349C>T on transcript NM_001369.3 (MANE Select); coding-DNA position 11349, C replaced by T.
Protein change: p.Val3783=; no amino-acid change (valine 3783 retained).
Molecular consequence: synonymous variant.
Genome position (GRCh38, 1-based): chr5:13,737,358, G>A on the plus strand (C>T on the coding strand, the complement: DNAH5 is on the minus strand). VCF-style: chr5-13737358-G-A. GRCh37 (hg19) VCF-style: chr5-13737467-G-A.
Identifiers: ClinVar variation 351039 (VCV000351039.16), dbSNP rs774415631, ClinGen allele CA3201994.